The following is an entry in ClinVar:

ClinVar aggregate classification (germline): Pathogenic. Review status: criteria provided, multiple submitters, no conflicts (2 of 4 stars). 2 submissions from 2 submitters: Pathogenic (2). Last evaluated 2024-01-10.

Conditions:
Congenital adrenal insufficiency with 46, XY sex reversal OR 46,XY disorder of sex development-adrenal insufficiency due to CYP11A1 deficiency. Also called: Congenital adrenal insuffiency with 46, XY sex reversal OR 46,XY disorder of sex development-adrenal insufficiency due to CYP11A1 deficiency; P450scc DEFICIENCY. Identifiers: Orphanet 168558, MedGen C3151055, MONDO:0013400, OMIM 613743.

Allele frequency attached by ClinVar (database versions not stated): gnomAD below 0.00001 and 0.00001; ExAC 0.00001; gnomAD exomes 0.00001; TOPMed 0.00001.
gnomAD v4.1: 4 of 1,614,074 alleles (0.00025%); highest among the groups gnomAD compares: South Asian, 0.0022%; no homozygotes.

Submissions (2):

Fulgent Genetics
Classification: Pathogenic for Congenital adrenal insufficiency with 46, XY sex reversal OR 46,XY disorder of sex development-adrenal insufficiency due to CYP11A1 deficiency. Last evaluated: 2024-01-10. Review status: criteria provided, single submitter. Criteria: ACMG Guidelines, 2015. Collection method: clinical testing. Allele origin: germline.

GeneDx
Classification: Pathogenic. Last evaluated: 2015-03-30. Review status: criteria provided, single submitter. Criteria: GeneDx Variant Classification (06012015). Collection method: clinical testing. Allele origin: germline. Affected: yes.
Comment: The R120X variant in the CYP11A1 gene has been reported previously in association with adrenal insufficiency (Tee et al., 2013). This variant is predicted to cause loss of normal protein function either through protein truncation or nonsense-mediated mRNA decay. The R120X nonsense variant was not observed in approximately 6500 individuals of European and African American ancestry in the NHLBI Exome Sequencing Project, indicating it is not a common benign variant in these populations. We interpret R120X as a pathogenic variant.

NM_000781.3(CYP11A1):c.358C>T (p.Arg120Ter)

Gene: CYP11A1 (cytochrome P450 family 11 subfamily A member 1; minus strand). Cytogenetic location: 15q24.1.
Variant type: single nucleotide variant.
Coding change: c.358C>T on transcript NM_000781.3 (MANE Select); coding-DNA position 358, C replaced by T.
Protein change: p.Arg120Ter; replaces arginine 120 with a stop codon.
Molecular consequence: nonsense. On other transcripts: 5 prime UTR variant (1).
Genome position (GRCh38, 1-based): chr15:74,347,967, G>A on the plus strand (C>T on the coding strand, the complement: CYP11A1 is on the minus strand). VCF-style: chr15-74347967-G-A. GRCh37 (hg19) VCF-style: chr15-74640308-G-A.
Other names: c.-117C>T (NM_001099773.2); short protein forms R120*.
Identifiers: ClinVar variation 379354 (VCV000379354.3), dbSNP rs776056840, ClinGen allele CA7656609.